The following is an entry in ClinVar:

ClinVar aggregate classification (germline): Likely benign (1 of 4 stars; one submission).

Conditions:
SEMA3F-related disorder. Also called: SEMA3F-related condition.

gnomAD v4.1: 86 of 1,579,482 alleles (0.0054%); highest among the groups gnomAD compares: East Asian, 0.19%; 1 homozygote.

Submission:

PreventionGenetics, part of Exact Sciences
Classification: Likely benign for SEMA3F-related condition. Last evaluated: 2025-11-14. Review status: criteria provided, single submitter. Criteria: ACMG Guidelines, 2015. Collection method: clinical testing. Allele origin: germline.
Comment: This variant is classified as likely benign based on ACMG/AMP sequence variant interpretation guidelines (Richards et al. 2015 PMID: 25741868, with internal and published modifications).

NM_004186.5(SEMA3F):c.112+7A>G

Gene: SEMA3F (semaphorin 3F; plus strand). Cytogenetic location: 3p21.31.
Variant type: single nucleotide variant.
Coding change: c.112+7A>G on transcript NM_004186.5 (MANE Select); 7 bases into the intron after coding-DNA position 112, A replaced by G.
Molecular consequence: intron variant.
Genome position (GRCh38, 1-based): chr3:50,159,741, A>G. VCF-style: chr3-50159741-A-G. GRCh37 (hg19) VCF-style: chr3-50197174-A-G.
Other names: c.-93+7A>G (NM_001318798.2); c.112+7A>G (NM_001318800.2).
Identifiers: ClinVar variation 4987037 (VCV004987037.1).